The following is an entry in ClinVar:

NM_001130144.3(LTBP3):c.2908C>T (p.Leu970Phe)

Gene: LTBP3 (latent transforming growth factor beta binding protein 3; minus strand). Cytogenetic location: 11q13.1.
Variant type: single nucleotide variant.
Coding change: c.2908C>T on transcript NM_001130144.3 (MANE Select); coding-DNA position 2908, C replaced by T.
Protein change: p.Leu970Phe; replaces leucine 970 with phenylalanine.
Molecular consequence: missense variant.
Genome position (GRCh38, 1-based): chr11:65,540,940, G>A on the plus strand (C>T on the coding strand, the complement: LTBP3 is on the minus strand). VCF-style: chr11-65540940-G-A. GRCh37 (hg19) VCF-style: chr11-65308411-G-A.
Other names: c.2908C>T (NM_001130144.2); c.2557C>T, p.Leu853Phe (NM_001164266.1); c.2908C>T, p.Leu970Phe (NM_021070.4); short protein forms L853F, L970F.
Identifiers: ClinVar variation 2074995 (VCV002074995.7), dbSNP rs1856104693, ClinGen allele CA381268107.

ClinVar aggregate classification (germline): Uncertain significance. Review status: criteria provided, multiple submitters, no conflicts (2 of 4 stars). 2 submissions from 2 submitters: Uncertain significance (2). Last evaluated 2025-09-01.

Conditions:
Inborn genetic diseases. Identifiers: MedGen C0950123, MeSH D030342.
Brachyolmia-amelogenesis imperfecta syndrome. Also called: PLATYSPONDYLY WITH AMELOGENESIS IMPERFECTA; Tooth agenesis, selective, 6; Dental anomalies and short stature. Identifiers: Orphanet 2899, MedGen C1832594, MONDO:0011018, OMIM 601216. Disease mechanism: loss of function.

Allele frequency attached by ClinVar (database versions not stated): gnomAD exomes below 0.00001; TOPMed 0.00001.
gnomAD v4.1: 5 of 1,613,532 alleles (0.00031%); highest among the groups gnomAD compares: Non-Finnish European, 0.00042%; no homozygotes.

Submissions (2):

Ambry Genetics
Classification: Uncertain significance for Inborn genetic diseases. Last evaluated: 2025-09-01. Review status: criteria provided, single submitter. Criteria: Ambry Variant Classification Scheme 2023. Collection method: clinical testing. Allele origin: germline.

Labcorp Genetics (formerly Invitae), Labcorp
Classification: Uncertain significance for Brachyolmia-amelogenesis imperfecta syndrome. Last evaluated: 2023-05-11. Review status: criteria provided, single submitter. Criteria: Invitae Variant Classification Sherloc (09022015). Collection method: clinical testing. Allele origin: germline.
Comment: An algorithm developed to predict the effect of missense changes on protein structure and function (PolyPhen-2) suggests that this variant is likely to be disruptive. In summary, the available evidence is currently insufficient to determine the role of this variant in disease. Therefore, it has been classified as a Variant of Uncertain Significance. This sequence change replaces leucine, which is neutral and non-polar, with phenylalanine, which is neutral and non-polar, at codon 970 of the LTBP3 protein (p.Leu970Phe). ClinVar contains an entry for this variant (Variation ID: 2074995). This variant is not present in population databases (gnomAD no frequency). This variant has not been reported in the literature in individuals affected with LTBP3-related conditions.